The following is an entry in ClinVar:

NM_001375834.1(WIPF1):c.1229C>A (p.Pro410His)

Gene: WIPF1 (WAS/WASL interacting protein family member 1; minus strand). Cytogenetic location: 2q31.1.
Variant type: single nucleotide variant.
Coding change: c.1229C>A on transcript NM_001375834.1 (MANE Select); coding-DNA position 1229, C replaced by A.
Protein change: p.Pro410His; replaces proline 410 with histidine.
Molecular consequence: missense variant.
Genome position (GRCh38, 1-based): chr2:174,567,974, G>T on the plus strand (C>A on the coding strand, the complement: WIPF1 is on the minus strand). VCF-style: chr2-174567974-G-T. GRCh37 (hg19) VCF-style: chr2-175432702-G-T.
Other names: p.Pro410His; c.1229C>A, p.Pro410His (NM_001077269.1, NM_001375832.1, NM_001375833.1 and 2 more transcripts); c.851C>A, p.Pro284His (NM_001375839.1); short protein forms P410H, P284H.
Identifiers: ClinVar variation 969531 (VCV000969531.6), dbSNP rs142991283, ClinGen allele CA1973951.

ClinVar aggregate classification (germline): Uncertain significance. Review status: criteria provided, multiple submitters, no conflicts (2 of 4 stars). 3 submissions from 3 submitters: Uncertain significance (3). Last evaluated 2025-07-29.

Conditions:
Wiskott-Aldrich syndrome 2 (WAS2). Also called: WIPF1 DEFICIENCY. Identifiers: Orphanet 906, MedGen C3281001, MONDO:0013779, OMIM 614493.
Inborn genetic diseases. Identifiers: MedGen C0950123, MeSH D030342.

Allele frequency attached by ClinVar (database versions not stated): ExAC 0.00001; gnomAD 0.00001; gnomAD exomes 0.00001 and 0.00002; TOPMed 0.00001.
gnomAD v4.1: 35 of 1,613,988 alleles (0.0022%); highest among the groups gnomAD compares: Non-Finnish European, 0.003%; no homozygotes.

Submissions (3):

Ambry Genetics
Classification: Uncertain significance for Inborn genetic diseases. Last evaluated: 2025-07-29. Review status: criteria provided, single submitter. Criteria: Ambry Variant Classification Scheme 2023. Collection method: clinical testing. Allele origin: germline.

Mayo Clinic Laboratories, Mayo Clinic
Classification: Uncertain significance. Last evaluated: 2023-07-03. Review status: criteria provided, single submitter. Criteria: ACMG Guidelines, 2015. Collection method: clinical testing. Allele origin: germline. Observed: 1 variant allele.
Comment: BP4

Labcorp Genetics (formerly Invitae), Labcorp
Classification: Uncertain significance for Wiskott-Aldrich syndrome 2. Last evaluated: 2021-08-24. Review status: criteria provided, single submitter. Criteria: Invitae Variant Classification Sherloc (09022015). Collection method: clinical testing. Allele origin: germline.